The following is an entry in ClinVar:

ClinVar aggregate classification (germline): Pathogenic/Likely pathogenic. Review status: criteria provided, multiple submitters, no conflicts (2 of 4 stars). 7 submissions from 7 submitters: Pathogenic (3); Likely pathogenic (4). Last evaluated 2025-12-26.

Conditions:
PEX6-related disorder. Also called: PEX6-related condition; PEX6-related disorders.
Zellweger spectrum disorders (ZS). Also called: Zellweger syndrome; Zellweger Spectrum Disorder; Zellweger Spectrum; Zellweger Spectrum Disorder (ZSD). Identifiers: Orphanet 912, MedGen C0043459, MONDO:0019609.
Heimler syndrome 2 (HMLR2). Also called: PEROXISOME BIOGENESIS DISORDER 4C. Identifiers: Orphanet 3220, MedGen C4225267, OMIM 616617, MONDO:0014709.
Peroxisome biogenesis disorder 4A (Zellweger) (PBD4A). Also called: Zellweger syndrome spectrum (PEX6-related). Identifiers: Orphanet 912, MedGen C3553936, MONDO:0013930, OMIM 614862. Disease mechanism: loss of function.
Peroxisome biogenesis disorder 4B (PBD4B). Also called: SPINOCEREBELLAR ATAXIA WITH BLINDNESS AND DEAFNESS 1. Identifiers: Orphanet 44, Orphanet 95433, MedGen C3553937, MONDO:0013931, OMIM 614863.
Peroxisome biogenesis disorder. Identifiers: Orphanet 79189, MedGen C1832200, MONDO:0019234. Disease mechanism: loss of function.

Allele frequency attached by ClinVar (database versions not stated): gnomAD exomes below 0.00001; gnomAD 0.00001; TOPMed 0.00002.

Submissions (7):

Natera, Inc.
Classification: Pathogenic for Zellweger syndrome. Last evaluated: 2025-12-26. Review status: criteria provided, single submitter. Criteria: Natera Variant Classification Schema (03/2026). Collection method: clinical testing. Allele origin: germline.
Comment: The c.1287delC variant in PEX6 is a frameshift variant predicted to shift the reading frame beginning at codon 430 and leads to a stop codon 20 codons downstream. This variant is expected to result in nonsense mediated decay, truncation, or a dysfunctional protein product. This variant is rare in the general population with a frequency below the threshold expected for the associated phenotype(s). This variant has been observed in one or more individuals affected with the associated recessive disease, as either homozygous or compound heterozygous with a second variant (PMID: 36649687). Additionally, this variant has been observed to segregate in affected family members (PMID: 36649687). Given the available evidence, this variant is classified as Pathogenic.

Labcorp Genetics (formerly Invitae), Labcorp
Classification: Pathogenic for Peroxisome biogenesis disorder. Last evaluated: 2024-05-02. Review status: criteria provided, single submitter. Criteria: Invitae Variant Classification Sherloc (09022015). Collection method: clinical testing. Allele origin: germline.
Comment: This sequence change creates a premature translational stop signal (p.Trp430Glyfs*20) in the PEX6 gene. It is expected to result in an absent or disrupted protein product. Loss-of-function variants in PEX6 are known to be pathogenic (PMID: 10408779, 21031596, 31831025). This variant is not present in population databases (gnomAD no frequency). This variant has not been reported in the literature in individuals affected with PEX6-related conditions. ClinVar contains an entry for this variant (Variation ID: 446026). For these reasons, this variant has been classified as Pathogenic.

Fulgent Genetics
Classification: Likely pathogenic for Peroxisome biogenesis disorder 4A (Zellweger); Peroxisome biogenesis disorder 4B; Heimler syndrome 2. Last evaluated: 2024-03-19. Review status: criteria provided, single submitter. Criteria: ACMG Guidelines, 2015. Collection method: clinical testing. Allele origin: germline.

Baylor Genetics
Classification: Likely pathogenic for Heimler syndrome 2. Last evaluated: 2023-12-08. Review status: criteria provided, single submitter. Criteria: ACMG Guidelines, 2015. Collection method: clinical testing. Allele origin: unknown.

PreventionGenetics, part of Exact Sciences
Classification: Pathogenic for PEX6-related condition. Last evaluated: 2023-08-13. Review status: criteria provided, single submitter. Criteria: ACMG Guidelines, 2015. Collection method: clinical testing. Allele origin: germline.
Comment: The PEX6 c.1287delC variant is predicted to result in a frameshift and premature protein termination (p.Trp430Glyfs*20). This variant was reported in the compound heterozygous state in two siblings with peroxisomal disorders (Gagnon et al. 2023. PubMed ID: 36649687). This variant has not been reported in a large population database, indicating this variant is rare. Frameshift variants in PEX6 are expected to be pathogenic. This variant is interpreted as pathogenic.

Blueprint Genetics
Classification: Likely pathogenic for PEX6-related disorders. Last evaluated: 2022-05-06. Review status: criteria provided, single submitter. Criteria: ACMG Guidelines, 2015. Collection method: clinical testing. Allele origin: germline. Affected: yes. Observed: 1 variant allele.

Center for Pediatric Genomic Medicine, Children's Mercy Hospital and Clinics
Classification: Likely pathogenic. Last evaluated: 2017-04-27. Review status: criteria provided, single submitter. Criteria: ACMG Guidelines, 2015. Collection method: clinical testing. Allele origin: germline.

Literature cited by the submitters: PubMed 36649687 (cited by Natera, Inc.); PubMed 10408779 (cited by Labcorp Genetics (formerly Invitae), Labcorp); PubMed 21031596 (cited by Labcorp Genetics (formerly Invitae), Labcorp); PubMed 31831025 (cited by Labcorp Genetics (formerly Invitae), Labcorp).

NM_000287.4(PEX6):c.1287del (p.Trp430fs)

Gene: PEX6 (peroxisomal biogenesis factor 6; minus strand). Cytogenetic location: 6p21.1.
Variant type: Deletion.
Coding change: c.1287del on transcript NM_000287.4 (MANE Select); coding-DNA position 1287, one base deleted (C; older notation c.1287delC).
Protein change: p.Trp430fs; shifts the reading frame from tryptophan 430.
Molecular consequence: frameshift variant. On other transcripts: non-coding transcript variant (1).
Genome position (GRCh38, 1-based): chr6:42,969,748, G deleted on the plus strand (C on the coding strand, the reverse complement: PEX6 is on the minus strand). VCF-style (leftmost placement, unchanged base first): chr6-42969747-AG-A. GRCh37 (hg19) VCF-style: chr6-42937485-AG-A.
Other names: c.1023del, p.Trp342fs (NM_001316313.2); c.1287delC (NM_000287.4, NM_000287.3); short protein forms W430fs, W342fs.
Identifiers: ClinVar variation 446026 (VCV000446026.16), dbSNP rs1258472160, ClinGen allele CA658653775.